The following is an entry in ClinVar:

ClinVar aggregate classification (germline): Likely benign (0 of 4 stars; one submission).

Conditions:
POLE-related disorder. Also called: POLE-related disorders; POLE-related condition.

Allele frequency attached by ClinVar (database versions not stated): gnomAD exomes below 0.00001; ExAC 0.00001.
gnomAD v4.1: 1 of 1,614,150 alleles (0.000062%); highest among the groups gnomAD compares: South Asian, 0.0011%; no homozygotes.

Submission:

PreventionGenetics, part of Exact Sciences
Classification: Likely benign for POLE-related condition. Last evaluated: 2019-07-02. Review status: no assertion criteria provided. Collection method: clinical testing. Allele origin: germline.
Comment: This variant is classified as likely benign based on ACMG/AMP sequence variant interpretation guidelines (Richards et al. 2015 PMID: 25741868, with internal and published modifications).

NM_006231.4(POLE):c.6303C>T (p.Ala2101=)

Gene: POLE (DNA polymerase epsilon, catalytic subunit; minus strand). Cytogenetic location: 12q24.33.
Variant type: single nucleotide variant.
Coding change: c.6303C>T on transcript NM_006231.4 (MANE Select); coding-DNA position 6303, C replaced by T.
Protein change: p.Ala2101=; no amino-acid change (alanine 2101 retained).
Molecular consequence: synonymous variant.
Genome position (GRCh38, 1-based): chr12:132,632,342, G>A on the plus strand (C>T on the coding strand, the complement: POLE is on the minus strand). VCF-style: chr12-132632342-G-A. GRCh37 (hg19) VCF-style: chr12-133208928-G-A.
Identifiers: ClinVar variation 3042642 (VCV003042642.2), dbSNP rs751217923, ClinGen allele CA6892233.
Genomic context (GRCh38, chr12:132,632,342, plus strand): 5'-GTCCTCTCCTCACACGCACGCTGGCACTCTCACCTTGCACACGTATTTGATGAACTCCAG[G>A]GCAGGGTTATTGAGCAGCAAGTGGGAACCGGGGAGGACAGGAAACATCTCTGAGAGCTCA-3'
Protein context (NP_006222.2, residues 2091-2111): PGSHLLLNNP[Ala2101=]LEFIKYVCKV